The following is an entry in ClinVar:

NM_001458.5(FLNC):c.7413C>T (p.His2471=)

Genes: FLNC-AS1 (FLNC antisense RNA 1; minus strand), FLNC (filamin C; plus strand). Cytogenetic location: 7q32.1.
Variant type: single nucleotide variant.
Coding change: c.7413C>T on transcript NM_001458.5 (MANE Select); coding-DNA position 7413, C replaced by T.
Protein change: p.His2471=; no amino-acid change (histidine 2471 retained).
Molecular consequence: synonymous variant.
Genome position (GRCh38, 1-based): chr7:128,856,773, C>T. VCF-style: chr7-128856773-C-T. GRCh37 (hg19) VCF-style: chr7-128496827-C-T.
Other names: c.7314C>T, p.His2438= (NM_001127487.2).
Identifiers: ClinVar variation 728053 (VCV000728053.43), dbSNP rs774524427, ClinGen allele CA4476270.

ClinVar aggregate classification (germline): Likely benign. Review status: criteria provided, multiple submitters, no conflicts (2 of 4 stars). 4 submissions from 4 submitters: Likely benign (4). Last evaluated 2026-02-03.

Conditions:
Cardiovascular phenotype. Identifiers: MedGen CN230736.
Distal myopathy with posterior leg and anterior hand involvement. Also called: WILLIAMS DISTAL MYOPATHY. Identifiers: Orphanet 63273, MedGen C3279722, MONDO:0013550, OMIM 614065.
Hypertrophic cardiomyopathy 26. Also called: Cardiomyopathy, familial hypertrophic, 26. Identifiers: Orphanet 75249, MedGen C4310749, MONDO:0014883, OMIM 617047.
Myofibrillar myopathy 5. Also called: Filaminopathy (type); FILAMINOPATHY, AUTOSOMAL DOMINANT. Identifiers: Orphanet 171445, MedGen C1836050, MONDO:0012289, OMIM 609524.

Allele frequency attached by ClinVar (database versions not stated): gnomAD 0.00001; TOPMed 0.00001; ExAC 0.00002; gnomAD exomes 0.00002.
gnomAD v4.1: 32 of 1,614,090 alleles (0.002%); highest among the groups gnomAD compares: Middle Eastern, 0.016%; no homozygotes.

Submissions (4):

Labcorp Genetics (formerly Invitae), Labcorp
Classification: Likely benign for Distal myopathy with posterior leg and anterior hand involvement; Myofibrillar myopathy 5; Hypertrophic cardiomyopathy 26. Last evaluated: 2026-02-03. Review status: criteria provided, single submitter. Criteria: Invitae Variant Classification Sherloc (09022015). Collection method: clinical testing. Allele origin: germline.

Blueprint Genetics
Classification: Likely benign. Last evaluated: 2024-05-27. Review status: criteria provided, single submitter. Criteria: ACMG Guidelines, 2015. Collection method: clinical testing. Allele origin: germline.

CeGaT Center for Human Genetics Tuebingen
Classification: Likely benign. Last evaluated: 2022-06-01. Review status: criteria provided, single submitter. Criteria: CeGaT Center For Human Genetics Tuebingen Variant Classification Criteria Version 2. Collection method: clinical testing. Allele origin: germline. Affected: yes. Observed: 1 variant allele.
Comment: FLNC: BP4, BP7

Ambry Genetics
Classification: Likely benign for Cardiovascular phenotype. Last evaluated: 2022-05-30. Review status: criteria provided, single submitter. Criteria: Ambry Variant Classification Scheme 2023. Collection method: clinical testing. Allele origin: germline.